The following is an entry in ClinVar:

NM_001035.3(RYR2):c.4596+5G>A

Gene: RYR2 (ryanodine receptor 2; plus strand). Cytogenetic location: 1q43.
Variant type: single nucleotide variant.
Coding change: c.4596+5G>A on transcript NM_001035.3 (MANE Select); 5 bases into the intron after coding-DNA position 4596, G replaced by A.
Molecular consequence: intron variant.
Genome position (GRCh38, 1-based): chr1:237,595,662, G>A. VCF-style: chr1-237595662-G-A. GRCh37 (hg19) VCF-style: chr1-237758962-G-A.
Other names: c.4596+5G>A (NM_001035.2).
Identifiers: ClinVar variation 1377913 (VCV001377913.6), dbSNP rs1453761148, ClinGen allele CA529547207.

ClinVar aggregate classification (germline): Uncertain significance. Review status: criteria provided, multiple submitters, no conflicts (2 of 4 stars). 3 submissions from 3 submitters: Uncertain significance (3). Last evaluated 2024-06-09.

Conditions:
Cardiovascular phenotype. Identifiers: MedGen CN230736.
Catecholaminergic polymorphic ventricular tachycardia 1. Also called: RYR2-Related Catecholaminergic Polymorphic Ventricular Tachycardia; VENTRICULAR TACHYCARDIA, CATECHOLAMINERGIC POLYMORPHIC, 1, WITH OR WITHOUT ATRIAL DYSFUNCTION AND/OR DILATED CARDIOMYOPATHY; VENTRICULAR TACHYCARDIA, STRESS-INDUCED POLYMORPHIC 1. Identifiers: Orphanet 3286, MedGen C1631597, MONDO:0011484, OMIM 604772.
Catecholaminergic polymorphic ventricular tachycardia (CVPT). Also called: Catecholamine-induced polymorphic ventricular tachycardia. Identifiers: Orphanet 3286, MedGen C5574922, MONDO:0017990.

Allele frequency attached by ClinVar (database versions not stated): gnomAD exomes below 0.00001.
gnomAD v4.1: 3 of 1,606,976 alleles (0.00019%); highest among the groups gnomAD compares: Admixed American, 0.0017%; no homozygotes.

Submissions (3):

All of Us Research Program, National Institutes of Health
Classification: Uncertain significance for Catecholaminergic polymorphic ventricular tachycardia. Last evaluated: 2024-06-09. Review status: criteria provided, single submitter. Criteria: ACMG Guidelines, 2015. Collection method: clinical testing. Allele origin: germline. Inheritance: Autosomal dominant inheritance. Observed: 1 variant allele, 1 heterozygote.
Comment: This variant causes a G to A nucleotide substitution at the +5 position of intron 34 of the RYR2 gene. To our knowledge, functional studies have not been reported for this variant. This variant has not been reported in individuals affected with RYR2-related disorders in the literature. This variant has not been identified in the general population by the Genome Aggregation Database (gnomAD). The available evidence is insufficient to determine the role of this variant in disease conclusively. Therefore, this variant is classified as a Variant of Uncertain Significance.

This study involves interpretation of variants in research participants for the purpose of population health screening. Participant phenotype was not available at the time of variant classification. Additional details can be found in publication PMID: 35346344, PMCID: PMC8962531

Ambry Genetics
Classification: Uncertain significance for Cardiovascular phenotype. Last evaluated: 2023-06-29. Review status: criteria provided, single submitter. Criteria: Ambry Variant Classification Scheme 2023. Collection method: clinical testing. Allele origin: germline.
Comment: The c.4596+5G>A intronic variant results from a G to A substitution 5 nucleotides after coding exon 34 in the RYR2 gene. This nucleotide position is not well conserved in available vertebrate species. In silico splice site analysis predicts that this alteration will weaken the native splice donor site. Since supporting evidence is limited at this time, the clinical significance of this alteration remains unclear.

Labcorp Genetics (formerly Invitae), Labcorp
Classification: Uncertain significance for Catecholaminergic polymorphic ventricular tachycardia 1. Last evaluated: 2021-10-28. Review status: criteria provided, single submitter. Criteria: Invitae Variant Classification Sherloc (09022015). Collection method: clinical testing. Allele origin: germline.
Comment: This sequence change falls in intron 34 of the RYR2 gene. It does not directly change the encoded amino acid sequence of the RYR2 protein. It affects a nucleotide within the consensus splice site. This variant is not present in population databases (gnomAD no frequency). This variant has not been reported in the literature in individuals affected with RYR2-related conditions. Variants that disrupt the consensus splice site are a relatively common cause of aberrant splicing (PMID: 17576681, 9536098). Algorithms developed to predict the effect of sequence changes on RNA splicing suggest that this variant may disrupt the consensus splice site. In summary, the available evidence is currently insufficient to determine the role of this variant in disease. Therefore, it has been classified as a Variant of Uncertain Significance.

Literature cited by the submitters: PubMed 17576681 (cited by Labcorp Genetics (formerly Invitae), Labcorp); PubMed 9536098 (cited by Labcorp Genetics (formerly Invitae), Labcorp).